The following is an entry in ClinVar:

NM_014208.3(DSPP):c.3461_3462insCGATAGCAGCGACAGCAG (p.1152DSS[11])

Genes: DMP1-AS1 (DMP1 and DSPP antisense RNA 1; minus strand), DSPP (dentin sialophosphoprotein; plus strand). Cytogenetic location: 4q22.1.
Variant type: Microsatellite.
Coding change: c.3461_3462insCGATAGCAGCGACAGCAG on transcript NM_014208.3 (MANE Select); coding-DNA positions 3461 to 3462, CGATAGCAGCGACAGCAG inserted.
Protein change: p.1152DSS[11].
Molecular consequence: inframe insertion.
Genome position: GRCh38 VCF-style: chr4-87616109-A-AAGCAGCGACAGCAGCGAT. GRCh37 (hg19) VCF-style: chr4-88537261-A-AAGCAGCGACAGCAGCGAT.
Identifiers: ClinVar variation 1222757 (VCV001222757.31), dbSNP rs1387872889.

ClinVar aggregate classification (germline): Conflicting classifications of pathogenicity. Review status: criteria provided, conflicting classifications (1 of 4 stars). 4 submissions from 4 submitters: Uncertain significance (1); Benign (2); Likely benign (1). Last evaluated 2025-02-16.

Submissions (4):

Laboratory of Genetics, Children's Clinical University Hospital Latvia
Classification: Benign. Last evaluated: 2025-02-16. Review status: criteria provided, single submitter. Criteria: ACMG Guidelines, 2015. Collection method: clinical testing. Allele origin: germline. Affected: yes.

Blueprint Genetics
Classification: Likely benign. Last evaluated: 2024-11-26. Review status: criteria provided, single submitter. Criteria: ACMG Guidelines, 2015. Collection method: clinical testing. Allele origin: germline.

CeGaT Center for Human Genetics Tuebingen
Classification: Uncertain significance. Last evaluated: 2023-03-01. Review status: criteria provided, single submitter. Criteria: CeGaT Center For Human Genetics Tuebingen Variant Classification Criteria Version 2. Collection method: clinical testing. Allele origin: germline. Affected: yes. Observed: 1 variant allele.
Comment: DSPP: PM2, BP3

GeneDx
Classification: Benign. Last evaluated: 2018-11-10. Review status: criteria provided, single submitter. Criteria: GeneDx Variant Classification Process June 2021. Collection method: clinical testing. Allele origin: germline. Affected: yes.